The following is an entry in ClinVar:

NM_000091.5(COL4A3):c.3850_3882+4del

Genes: COL4A3 (collagen type IV alpha 3 chain; plus strand), MFF-DT (MFF divergent transcript; minus strand). Cytogenetic location: 2q36.3.
Variant type: Deletion.
Coding change: c.3850_3882+4del on transcript NM_000091.5 (MANE Select); coding-DNA position 3850 through 4 bases into the intron after coding-DNA position 3882, 37 bases deleted.
Molecular consequence: splice donor variant.
Genome position (GRCh38, 1-based): chr2:227,298,780-227,298,816, 37 bases deleted; deleting any 37 consecutive bases within chr2:227,298,778-227,298,816 gives the same sequence; the c. name uses the placement nearest the transcript's 3' end. GRCh37 (hg19): chr2:228,163,496-228,163,532.
Identifiers: ClinVar variation 5019723 (VCV005019723.2).

ClinVar aggregate classification (germline): Likely pathogenic (1 of 4 stars; one submission).

Conditions:
Autosomal dominant Alport syndrome (ATS3A). Also called: ALPORT SYNDROME 3A, AUTOSOMAL DOMINANT; Alport syndrome dominant type; Renal failure and sensorineural hearing loss. Identifiers: Orphanet 63, Orphanet 88918, MedGen C5882663, MONDO:0007086, OMIM 104200.
Hematuria, benign familial, 2 (BFH2). Identifiers: MedGen C5830421, MONDO:0958186, OMIM 620320.
Alport syndrome 3b, autosomal recessive. Identifiers: MedGen C5882699, MONDO:0957811, OMIM 620536.

Submission:

Juno Genomics, Hangzhou Juno Genomics, Inc
Classification: Likely pathogenic for Autosomal dominant Alport syndrome; Alport syndrome 3b, autosomal recessive; Hematuria, benign familial, 2. Review status: criteria provided, single submitter. Criteria: ACMG Guidelines, 2015. Collection method: clinical testing. Allele origin: germline.
Comment: Absent from controls (or at extremely low frequency if recessive) in Genome Aggregation Database.;Null variant in a gene where loss of function (LOF) is a known mechanism of disease.